The following is an entry in ClinVar:

NM_000116.5(TAFAZZIN):c.284+28G>A

Gene: TAFAZZIN (tafazzin, phospholipid-lysophospholipid transacylase; plus strand). Cytogenetic location: Xq28.
Variant type: single nucleotide variant.
Coding change: c.284+28G>A on transcript NM_000116.5 (MANE Select); 28 bases into the intron after coding-DNA position 284, G replaced by A.
Molecular consequence: intron variant. On other transcripts: non-coding transcript variant (1).
Genome position (GRCh38, 1-based): chrX:154,413,280, G>A. VCF-style: chrX-154413280-G-A. GRCh37 (hg19) VCF-style: chrX-153641617-G-A.
Other names: c.338+28G>A (NM_001303465.2, NM_001410698.1); c.284+28G>A (NM_181312.4, NM_181311.4, NM_181313.4).
Identifiers: ClinVar variation 2661806 (VCV002661806.24), dbSNP rs781969431, ClinGen allele CA10562301.

ClinVar aggregate classification (germline): Pathogenic (1 of 4 stars; one submission).

Allele frequency attached by ClinVar (database versions not stated): ExAC 0.00001; gnomAD exomes 0.00001.
gnomAD v4.1: 5 of 1,207,650 alleles (0.00041%); highest among the groups gnomAD compares: East Asian, 0.015%; no homozygotes.

Submission:

CeGaT Center for Human Genetics Tuebingen
Classification: Pathogenic. Last evaluated: 2023-01-01. Review status: criteria provided, single submitter. Criteria: CeGaT Center For Human Genetics Tuebingen Variant Classification Criteria Version 2. Collection method: clinical testing. Allele origin: germline. Affected: yes. Observed: 1 variant allele.
Comment: TAFAZZIN: PVS1, PM2